The following is an entry in ClinVar:

ClinVar aggregate classification (germline): Likely benign (0 of 4 stars; one submission).

Conditions:
CHD5-related disorder. Also called: CHD5-related condition.

gnomAD v4.1: 14 of 1,613,324 alleles (0.00087%); highest among the groups gnomAD compares: South Asian, 0.0033%; no homozygotes.

Submission:

PreventionGenetics, part of Exact Sciences
Classification: Likely benign for CHD5-related condition. Last evaluated: 2024-08-27. Review status: no assertion criteria provided. Collection method: clinical testing. Allele origin: germline.
Comment: This variant is classified as likely benign based on ACMG/AMP sequence variant interpretation guidelines (Richards et al. 2015 PMID: 25741868, with internal and published modifications).

NM_015557.3(CHD5):c.4056C>T (p.Asn1352=)

Gene: CHD5 (chromodomain helicase DNA binding protein 5; minus strand). Cytogenetic location: 1p36.31.
Variant type: single nucleotide variant.
Coding change: c.4056C>T on transcript NM_015557.3 (MANE Select); coding-DNA position 4056, C replaced by T.
Protein change: p.Asn1352=; no amino-acid change (asparagine 1352 retained).
Molecular consequence: synonymous variant.
Genome position (GRCh38, 1-based): chr1:6,126,594, G>A on the plus strand (C>T on the coding strand, the complement: CHD5 is on the minus strand). VCF-style: chr1-6126594-G-A. GRCh37 (hg19) VCF-style: chr1-6186654-G-A.
Identifiers: ClinVar variation 3350746 (VCV003350746.1).